The following is an entry in ClinVar:

ClinVar aggregate classification (germline): Benign (0 of 4 stars; one submission).

Conditions:
HOXA10-related disorder. Also called: HOXA10-related condition.

Allele frequency attached by ClinVar (database versions not stated): 1000 Genomes Project 0.00419; 1000 Genomes Project 30x 0.00468; ESP Exome Variant Server 0.00160; gnomAD 0.00283; TOPMed 0.00305.
gnomAD v4.1: 794 of 1,611,812 alleles (0.049%); highest among the groups gnomAD compares: African/African-American, 0.96%; 4 homozygotes.

Submission:

PreventionGenetics, part of Exact Sciences
Classification: Benign for HOXA10-related condition. Last evaluated: 2019-07-31. Review status: no assertion criteria provided. Collection method: clinical testing. Allele origin: germline.
Comment: This variant is classified as benign based on ACMG/AMP sequence variant interpretation guidelines (Richards et al. 2015 PMID: 25741868, with internal and published modifications).

NM_018951.4(HOXA10):c.958+9G>T

Genes: HOXA10 (homeobox A10; minus strand), HOXA10-HOXA9 (HOXA10-HOXA9 readthrough; minus strand). Cytogenetic location: 7p15.2.
Variant type: single nucleotide variant.
Coding change: c.958+9G>T on transcript NM_018951.4 (MANE Select); 9 bases into the intron after coding-DNA position 958, G replaced by T.
Molecular consequence: intron variant.
Genome position (GRCh38, 1-based): chr7:27,173,340, C>A on the plus strand (G>T on the coding strand, the complement: HOXA10 is on the minus strand). VCF-style: chr7-27173340-C-A. GRCh37 (hg19) VCF-style: chr7-27212959-C-A.
Identifiers: ClinVar variation 3035569 (VCV003035569.2), dbSNP rs112203709, ClinGen allele CA4198027.
Genomic context (GRCh38, chr7:27,173,340, plus strand): 5'-TCTGATCCTTCTCCTCCTTGTGTCTGCCTGTCTGCCCGCCTGACTGCAGCCCTCTGCAGC[C>A]CTGCTTACCCAGGGAATCCTTCTCCGGCGAGGCTTTGCTGCTCTCGGAAGGGGCCGGGGA-3'